The following is an entry in ClinVar:

NM_020999.4(NEUROG3):c.571C>T (p.Arg191Ter)

Gene: NEUROG3 (neurogenin 3; minus strand). Cytogenetic location: 10q22.1.
Variant type: single nucleotide variant.
Coding change: c.571C>T on transcript NM_020999.4 (MANE Select); coding-DNA position 571, C replaced by T.
Protein change: p.Arg191Ter; replaces arginine 191 with a stop codon.
Molecular consequence: nonsense.
Genome position (GRCh38, 1-based): chr10:69,572,473, G>A on the plus strand (C>T on the coding strand, the complement: NEUROG3 is on the minus strand). VCF-style: chr10-69572473-G-A. GRCh37 (hg19) VCF-style: chr10-71332229-G-A.
Other names: short protein forms R191*.
Identifiers: ClinVar variation 2192202 (VCV002192202.17), dbSNP rs770935946, ClinGen allele CA5533664.

ClinVar aggregate classification (germline): Uncertain significance. Review status: criteria provided, multiple submitters, no conflicts (2 of 4 stars). 2 submissions from 2 submitters: Uncertain significance (2). Last evaluated 2025-09-30.

Allele frequency attached by ClinVar (database versions not stated): ExAC 0.00002.
gnomAD v4.1: 13 of 1,589,744 alleles (0.00082%); highest among the groups gnomAD compares: Non-Finnish European, 0.0011%; no homozygotes.

Submissions (2):

Labcorp Genetics (formerly Invitae), Labcorp
Classification: Uncertain significance. Last evaluated: 2025-09-30. Review status: criteria provided, single submitter. Criteria: Invitae Variant Classification Sherloc (09022015). Collection method: clinical testing. Allele origin: germline.
Comment: This sequence change creates a premature translational stop signal (p.Arg191*) in the NEUROG3 gene. While this is not anticipated to result in nonsense mediated decay, it is expected to disrupt the last 24 amino acid(s) of the NEUROG3 protein. The frequency data for this variant in the population databases is considered unreliable, as metrics indicate poor data quality at this position in the gnomAD database. This variant has not been reported in the literature in individuals affected with NEUROG3-related conditions. ClinVar contains an entry for this variant (Variation ID: 2192202). Experimental studies and prediction algorithms are not available or were not evaluated, and the functional significance of this variant is currently unknown. In summary, the available evidence is currently insufficient to determine the role of this variant in disease. Therefore, it has been classified as a Variant of Uncertain Significance.

CeGaT Center for Human Genetics Tuebingen
Classification: Uncertain significance. Last evaluated: 2025-02-01. Review status: criteria provided, single submitter. Criteria: CeGaT Center For Human Genetics Tuebingen Variant Classification Criteria Version 2. Collection method: clinical testing. Allele origin: germline. Affected: yes. Observed: 1 variant allele.